The following is an entry in ClinVar:

ClinVar aggregate classification (germline): Uncertain significance (1 of 4 stars; one submission).

Conditions:
Hereditary cancer-predisposing syndrome. Also called: Neoplastic Syndromes, Hereditary; Tumor predisposition; Hereditary neoplastic syndrome; Hereditary Cancer Syndrome. Identifiers: Orphanet 140162, MedGen C0027672, MeSH D009386, MONDO:0015356.

gnomAD v4.1: 2 of 1,614,202 alleles (0.00012%); highest among the groups gnomAD compares: Non-Finnish European, 0.000085%; no homozygotes.

Submission:

Ambry Genetics
Classification: Uncertain significance for Hereditary cancer-predisposing syndrome. Last evaluated: 2026-07-06. Review status: criteria provided, single submitter. Criteria: Ambry Variant Classification Scheme 2023. Collection method: clinical testing. Allele origin: germline.
Comment: The p.P1184L variant (also known as c.3551C>T), located in coding exon 22 of the PTCH1 gene, results from a C to T substitution at nucleotide position 3551. The proline at codon 1184 is replaced by leucine, an amino acid with similar properties. This amino acid position is conserved. In addition, the in silico prediction for this alteration is inconclusive. Based on the available evidence, the clinical significance of this variant remains unclear.

NM_000264.5(PTCH1):c.3749C>T (p.Pro1250Leu)

Gene: PTCH1 (patched 1; minus strand). Cytogenetic location: 9q22.32.
Variant type: single nucleotide variant.
Coding change: c.3749C>T on transcript NM_000264.5 (MANE Select); coding-DNA position 3749, C replaced by T.
Protein change: p.Pro1250Leu; replaces proline 1250 with leucine.
Molecular consequence: missense variant. On other transcripts: non-coding transcript variant (1).
Genome position (GRCh38, 1-based): chr9:95,449,124, G>A on the plus strand (C>T on the coding strand, the complement: PTCH1 is on the minus strand). VCF-style: chr9-95449124-G-A. GRCh37 (hg19) VCF-style: chr9-98211406-G-A.
Other names: c.3551C>T, p.Pro1184Leu (NM_001083602.3); c.3746C>T, p.Pro1249Leu (NM_001083603.3); c.3296C>T, p.Pro1099Leu (NM_001083604.3, NM_001083605.3, NM_001083606.3 and 1 more transcripts); c.3593C>T, p.Pro1198Leu (NM_001354918.2); short protein forms P1184L, P1249L, P1099L, P1250L, P1198L.
Identifiers: ClinVar variation 5027474 (VCV005027474.1).